The following is an entry in ClinVar:

ClinVar aggregate classification (germline): Uncertain significance (1 of 4 stars; one submission).

Allele frequency attached by ClinVar (database versions not stated): gnomAD exomes below 0.00001; gnomAD 0.00001; TOPMed 0.00001.

Submission:

Labcorp Genetics (formerly Invitae), Labcorp
Classification: Uncertain significance. Last evaluated: 2026-01-06. Review status: criteria provided, single submitter. Criteria: Invitae Variant Classification Sherloc (09022015). Collection method: clinical testing. Allele origin: germline.
Comment: This sequence change replaces arginine, which is basic and polar, with histidine, which is basic and polar, at codon 129 of the TNFRSF11A protein (p.Arg129His). The frequency data for this variant in the population databases is considered unreliable, as metrics indicate poor data quality at this position in the gnomAD database. This variant has not been reported in the literature in individuals affected with TNFRSF11A-related conditions. ClinVar contains an entry for this variant (Variation ID: 1421002). Invitae Evidence Modeling of protein sequence and biophysical properties (such as structural, functional, and spatial information, amino acid conservation, physicochemical variation, residue mobility, and thermodynamic stability) indicates that this missense variant is expected to disrupt TNFRSF11A protein function with a positive predictive value of 80%. In summary, the available evidence is currently insufficient to determine the role of this variant in disease. Therefore, it has been classified as a Variant of Uncertain Significance.

NM_003839.4(TNFRSF11A):c.386G>A (p.Arg129His)

Gene: TNFRSF11A (TNF receptor superfamily member 11a; plus strand). Cytogenetic location: 18q21.33.
Variant type: single nucleotide variant.
Coding change: c.386G>A on transcript NM_003839.4 (MANE Select); coding-DNA position 386, G replaced by A.
Protein change: p.Arg129His; replaces arginine 129 with histidine.
Molecular consequence: missense variant.
Genome position (GRCh38, 1-based): chr18:62,354,493, G>A. VCF-style: chr18-62354493-G-A. GRCh37 (hg19) VCF-style: chr18-60021726-G-A.
Other names: c.386G>A, p.Arg129His (NM_001270949.2, NM_001270950.2, NM_001270951.2 and 1 more transcripts); short protein forms R129H.
Identifiers: ClinVar variation 1421002 (VCV001421002.8), dbSNP rs1321517757, ClinGen allele CA402612360.